The following is an entry in ClinVar:

ClinVar aggregate classification (germline): Pathogenic (1 of 4 stars; one submission).

Conditions:
alpha Thalassemia. Also called: Alpha thalassemia spectrum. Identifiers: Orphanet 846, MedGen C0002312, MONDO:0011399, OMIM 604131.

Submission:

Natera, Inc.
Classification: Pathogenic for Alpha thalassemia. Last evaluated: 2024-10-26. Review status: criteria provided, single submitter. Criteria: Natera Variant Classification Schema (03/2026). Collection method: clinical testing. Allele origin: germline.
Comment: The c.131delT variant in HBA2 is a frameshift variant predicted to shift the reading frame beginning at codon 44 and leads to a stop codon 6 codons downstream. This variant is expected to result in nonsense mediated decay, truncation, or a dysfunctional protein product. This variant is rare in the general population with a frequency below the threshold expected for the associated phenotype(s). This variant has been observed in one or more individuals affected with the associated recessive disease, as either homozygous or compound heterozygous with a second variant (PMID: 22943743, 22738776). Given the available evidence, this variant is classified as Pathogenic.

Literature cited by the submitters: PubMed 22943743; PubMed 22738776.

NM_000517.6(HBA2):c.131del (p.Phe44fs)

Genes: HBA2 (hemoglobin subunit alpha 2; plus strand), LOC106804612 (hemoglobin subunit alpha 2 recombination region; plus strand). Cytogenetic location: 16p13.3.
Variant type: Deletion.
Coding change: c.131del on transcript NM_000517.6 (MANE Select); coding-DNA position 131, one base deleted (T; older notation c.131delT).
Protein change: p.Phe44fs; shifts the reading frame from phenylalanine 44.
Molecular consequence: frameshift variant.
Genome position (GRCh38, 1-based): chr16:173,160, T deleted; the last of 2 consecutive T bases (chr16:173,159-173,160); deleting either gives the same sequence. VCF-style (leftmost placement, unchanged base first): chr16-173158-CT-C. GRCh37 (hg19) VCF-style: chr16-223157-CT-C.
Other names: short protein forms F44fs.
Identifiers: ClinVar variation 4818622 (VCV004818622.1).